The following is an entry in ClinVar:

NM_182931.3(KMT2E):c.3853dup (p.Ser1285fs)

Gene: KMT2E (lysine methyltransferase 2E (inactive); plus strand). Cytogenetic location: 7q22.3.
Variant type: Duplication.
Coding change: c.3853dup on transcript NM_182931.3 (MANE Select); coding-DNA position 3853, one base duplicated (T; older notation c.3853dupT).
Protein change: p.Ser1285fs; shifts the reading frame from serine 1285.
Molecular consequence: frameshift variant.
Genome position (GRCh38, 1-based): chr7:105,110,485, T duplicated. VCF-style (leftmost placement, unchanged base first): chr7-105110484-A-AT. GRCh37 (hg19) VCF-style: chr7-104750931-A-AT.
Other names: c.3853dup, p.Ser1285fs (NM_018682.4); short protein forms S1285fs.
Identifiers: ClinVar variation 1709654 (VCV001709654.2), dbSNP rs2536518341, ClinGen allele CA2580076096.

ClinVar aggregate classification (germline): Pathogenic (1 of 4 stars; one submission).

Conditions:
O'Donnell-Luria-Rodan syndrome (ODLURO). Also called: KMT2E-Related Neurodevelopmental Disorder. Identifiers: MedGen C5193138, MONDO:0032793, OMIM 618512.

Submission:

MGZ Medical Genetics Center
Classification: Pathogenic for O'Donnell-Luria-Rodan syndrome. Last evaluated: 2022-07-21. Review status: criteria provided, single submitter. Criteria: ACMG Guidelines, 2015. Collection method: clinical testing. Allele origin: germline. Affected: yes. Observed: 1 variant allele.
Comment: ACMG criteria applied: PVS1, PS2, PM2_SUP